The following is an entry in ClinVar:

NM_000379.4(XDH):c.988G>A (p.Val330Ile)

Gene: XDH (xanthine dehydrogenase; minus strand). Cytogenetic location: 2p23.1.
Variant type: single nucleotide variant.
Coding change: c.988G>A on transcript NM_000379.4 (MANE Select); coding-DNA position 988, G replaced by A.
Protein change: p.Val330Ile; replaces valine 330 with isoleucine.
Molecular consequence: missense variant.
Genome position (GRCh38, 1-based): chr2:31,383,051, C>T on the plus strand (G>A on the coding strand, the complement: XDH is on the minus strand). VCF-style: chr2-31383051-C-T. GRCh37 (hg19) VCF-style: chr2-31605917-C-T.
Other names: short protein forms V330I.
Identifiers: ClinVar variation 856017 (VCV000856017.9), dbSNP rs1686479998, ClinGen allele CA346508838.

ClinVar aggregate classification (germline): Uncertain significance (1 of 4 stars; one submission).

Conditions:
Xanthinuria type II. Also called: Xanthine dehydrogenase and aldehyde oxidase combined deficiency of; XDH and AOX dual deficiency. Identifiers: Orphanet 3467, Orphanet 93602, MedGen C1863688, MONDO:0011346, OMIM 603592.

Allele frequency attached by ClinVar (database versions not stated): gnomAD exomes below 0.00001.
gnomAD v4.1: 3 of 1,614,192 alleles (0.00019%); highest among the groups gnomAD compares: Non-Finnish European, 0.00025%; no homozygotes.

Submission:

Labcorp Genetics (formerly Invitae), Labcorp
Classification: Uncertain significance for Xanthinuria type II. Last evaluated: 2022-07-06. Review status: criteria provided, single submitter. Criteria: Invitae Variant Classification Sherloc (09022015). Collection method: clinical testing. Allele origin: germline.
Comment: This sequence change replaces valine, which is neutral and non-polar, with isoleucine, which is neutral and non-polar, at codon 330 of the XDH protein (p.Val330Ile). This variant is not present in population databases (gnomAD no frequency). This variant has not been reported in the literature in individuals affected with XDH-related conditions. ClinVar contains an entry for this variant (Variation ID: 856017). Algorithms developed to predict the effect of missense changes on protein structure and function output the following: SIFT: "Tolerated"; PolyPhen-2: "Benign"; Align-GVGD: "Class C0". The isoleucine amino acid residue is found in multiple mammalian species, which suggests that this missense change does not adversely affect protein function. In summary, the available evidence is currently insufficient to determine the role of this variant in disease. Therefore, it has been classified as a Variant of Uncertain Significance.